The following is an entry in ClinVar:

NM_005138.3(SCO2):c.479T>C (p.Val160Ala)

Genes: NCAPH2 (non-SMC condensin II complex subunit H2; plus strand), SCO2 (synthesis of cytochrome C oxidase 2; minus strand). Cytogenetic location: 22q13.33.
Variant type: single nucleotide variant.
Coding change: c.479T>C on transcript NM_005138.3 (MANE Select); coding-DNA position 479, T replaced by C.
Protein change: p.Val160Ala; replaces valine 160 with alanine.
Molecular consequence: missense variant. On other transcripts: 3 prime UTR variant (2).
Genome position (GRCh38, 1-based): chr22:50,523,933, A>G on the plus strand (T>C on the coding strand, the complement: SCO2 is on the minus strand). VCF-style: chr22-50523933-A-G. GRCh37 (hg19) VCF-style: chr22-50962362-A-G.
Other names: c.479T>C, p.Val160Ala (NM_001169109.2, NM_001169110.1, NM_001169111.2); c.*558A>G (NM_001185011.2, NM_152299.4); short protein forms V160A.
Identifiers: ClinVar variation 1384573 (VCV001384573.5), dbSNP rs755433769, ClinGen allele CA10321195.

ClinVar aggregate classification (germline): Uncertain significance (1 of 4 stars; one submission).

Allele frequency attached by ClinVar (database versions not stated): TOPMed below 0.00001.
gnomAD v4.1: 15 of 1,612,836 alleles (0.00093%); highest among the groups gnomAD compares: South Asian, 0.0055%; no homozygotes.

Submission:

Labcorp Genetics (formerly Invitae), Labcorp
Classification: Uncertain significance. Last evaluated: 2022-02-05. Review status: criteria provided, single submitter. Criteria: Invitae Variant Classification Sherloc (09022015). Collection method: clinical testing. Allele origin: germline.
Comment: This sequence change replaces valine, which is neutral and non-polar, with alanine, which is neutral and non-polar, at codon 160 of the SCO2 protein (p.Val160Ala). This variant is present in population databases (rs755433769, gnomAD 0.003%). This missense change has been observed in individual(s) with fatal infantile hyperthermia (PMID: 23364397). Algorithms developed to predict the effect of missense changes on protein structure and function (SIFT, PolyPhen-2, Align-GVGD) all suggest that this variant is likely to be disruptive. In summary, the available evidence is currently insufficient to determine the role of this variant in disease. Therefore, it has been classified as a Variant of Uncertain Significance.

Literature cited by the submitters: PubMed 23364397.